The following is an entry in ClinVar:

ClinVar aggregate classification (germline): Conflicting classifications of pathogenicity. Review status: criteria provided, conflicting classifications (1 of 4 stars). 4 submissions from 2 submitters: Uncertain significance (1); Benign (2); Likely benign (1). Last evaluated 2022-08-22.

Conditions:
Osteogenesis imperfecta type I (OI1). Also called: OI, TYPE I; OSTEOGENESIS IMPERFECTA TARDA; OSTEOGENESIS IMPERFECTA WITH BLUE SCLERAE; Classic Non-deforming Osteogenesis Imperfecta with Blue Sclerae; Osteogenesis imperfecta type 1; Lobstein's Disease. Identifiers: Orphanet 216796, Orphanet 666, MedGen C0023931, MONDO:0008146, OMIM 166200. Disease mechanism: loss of function.
Infantile cortical hyperostosis. Also called: P1PK BLOOD GROUP SYSTEM, P(2) PHENOTYPE; Hyperostosis, Cortical, Congenital; Caffey Disease. Identifiers: Orphanet 1310, MedGen C0020497, MONDO:0007244, OMIM 114000.
Ehlers-Danlos syndrome, arthrochalasia type. Also called: ARTHROCHALASIS MULTIPLEX CONGENITA; EDS VII, MUTANT PROCOLLAGEN TYPE; EDS VIIA; Ehlers-Danlos syndrome, arthrochalasia type, 1; Ehlers-Danlos syndrome, arthrochalasis type. Identifiers: Orphanet 1899, Orphanet 99875, Orphanet 99876, MedGen C4551623, MONDO:0007525, OMIM 130060.
Osteogenesis imperfecta (OI). Identifiers: Orphanet 666, MedGen C0029434, MeSH D010013, MONDO:0019019.

Allele frequency attached by ClinVar (database versions not stated): TOPMed below 0.00001; gnomAD exomes 0.00001 and 0.00003; ExAC 0.00002.
gnomAD v4.1: 6 of 1,614,038 alleles (0.00037%); highest among the groups gnomAD compares: East Asian, 0.013%; no homozygotes.

Submissions (4):

Labcorp Genetics (formerly Invitae), Labcorp
Classification: Benign for Osteogenesis imperfecta type I. Last evaluated: 2022-08-22. Review status: criteria provided, single submitter. Criteria: Invitae Variant Classification Sherloc (09022015). Collection method: clinical testing. Allele origin: germline.

Illumina Laboratory Services, Illumina
Classification: Likely benign for Osteogenesis imperfecta. Last evaluated: 2018-01-12. Review status: criteria provided, single submitter. Criteria: ICSL Variant Classification Criteria 13 December 2019. Collection method: clinical testing. Allele origin: germline.
Comment: This variant was observed in the ICSL laboratory as part of a predisposition screen in an ostensibly healthy population. It had not been previously curated by ICSL or reported in the Human Gene Mutation Database (HGMD: prior to June 1st, 2018), and was therefore a candidate for classification through an automated scoring system. Utilizing variant allele frequency, disease prevalence and penetrance estimates, and inheritance mode, an automated score was calculated to assess if this variant is too frequent to cause the disease. Based on the score and internal cut-off values, a variant classified as likely benign is not then subjected to further curation. The score for this variant resulted in a classification of likely benign for this disease.

Illumina Laboratory Services, Illumina
Classification: Benign for Ehlers-Danlos syndrome, arthrochalasia type. Last evaluated: 2018-01-12. Review status: criteria provided, single submitter. Criteria: ICSL Variant Classification Criteria 13 December 2019. Collection method: clinical testing. Allele origin: germline.
Comment: This variant was observed in the ICSL laboratory as part of a predisposition screen in an ostensibly healthy population. It had not been previously curated by ICSL or reported in the Human Gene Mutation Database (HGMD: prior to June 1st, 2018), and was therefore a candidate for classification through an automated scoring system. Utilizing variant allele frequency, disease prevalence and penetrance estimates, and inheritance mode, an automated score was calculated to assess if this variant is too frequent to cause the disease. Based on the score and internal cut-off values, a variant classified as benign is not then subjected to further curation. The score for this variant resulted in a classification of benign for this disease.

Illumina Laboratory Services, Illumina
Classification: Uncertain significance for Infantile cortical hyperostosis. Last evaluated: 2018-01-12. Review status: criteria provided, single submitter. Criteria: ICSL Variant Classification Criteria 13 December 2019. Collection method: clinical testing. Allele origin: germline.

NM_000088.4(COL1A1):c.229G>A (p.Glu77Lys)

Gene: COL1A1 (collagen type I alpha 1 chain; minus strand). Cytogenetic location: 17q21.33.
Variant type: single nucleotide variant.
Coding change: c.229G>A on transcript NM_000088.4 (MANE Select); coding-DNA position 229, G replaced by A.
Protein change: p.Glu77Lys; replaces glutamic acid 77 with lysine.
Molecular consequence: missense variant.
Genome position (GRCh38, 1-based): chr17:50,199,822, C>T on the plus strand (G>A on the coding strand, the complement: COL1A1 is on the minus strand). VCF-style: chr17-50199822-C-T. GRCh37 (hg19) VCF-style: chr17-48277183-C-T.
Other names: short protein forms E77K.
Identifiers: ClinVar variation 324121 (VCV000324121.10), dbSNP rs753683126, ClinGen allele CA8645806.